The following is an entry in ClinVar:

ClinVar aggregate classification (germline): Pathogenic (1 of 4 stars; one submission).

Conditions:
Hermansky-Pudlak syndrome 9 (HPS9). Identifiers: Orphanet 280663, Orphanet 79430, MedGen C3280026, MONDO:0013606, OMIM 614171.

Submission:

Labcorp Genetics (formerly Invitae), Labcorp
Classification: Pathogenic for Hermansky-Pudlak syndrome 9. Last evaluated: 2024-01-30. Review status: criteria provided, single submitter. Criteria: Invitae Variant Classification Sherloc (09022015). Collection method: clinical testing. Allele origin: germline.
Comment: This sequence change creates a premature translational stop signal (p.Ser30Valfs*9) in the BLOC1S6 gene. It is expected to result in an absent or disrupted protein product. Loss-of-function variants in BLOC1S6 are known to be pathogenic (PMID: 10610180, 21665000, 22461475). This variant is not present in population databases (gnomAD no frequency). This variant has not been reported in the literature in individuals affected with BLOC1S6-related conditions. For these reasons, this variant has been classified as Pathogenic.

Literature cited by the submitters: PubMed 10610180; PubMed 21665000; PubMed 22461475.

NM_012388.4(BLOC1S6):c.88del (p.Ser30fs)

Gene: BLOC1S6 (biogenesis of lysosomal organelles complex 1 subunit 6; plus strand). Cytogenetic location: 15q21.1.
Variant type: Deletion.
Coding change: c.88del on transcript NM_012388.4 (MANE Select); coding-DNA position 88, one base deleted (A; older notation c.88delA).
Protein change: p.Ser30fs; shifts the reading frame from serine 30.
Molecular consequence: frameshift variant. On other transcripts: non-coding transcript variant (5).
Genome position (GRCh38, 1-based): chr15:45,592,140, A deleted; the last of 2 consecutive A bases (chr15:45,592,139-45,592,140); deleting either gives the same sequence. VCF-style (leftmost placement, unchanged base first): chr15-45592138-TA-T. GRCh37 (hg19) VCF-style: chr15-45884336-TA-T.
Other names: c.103del, p.Ser35fs (NM_001311255.1, NM_001311256.1); short protein forms S30fs, S35fs.
Identifiers: ClinVar variation 2742147 (VCV002742147.2), dbSNP rs1227395094, ClinGen allele CA713132314.